The following is an entry in ClinVar:

ClinVar aggregate classification (germline): Uncertain significance. Review status: criteria provided, multiple submitters, no conflicts (2 of 4 stars). 3 submissions from 3 submitters: Uncertain significance (3). Last evaluated 2025-09-10.

Conditions:
Inborn genetic diseases. Identifiers: MedGen C0950123, MeSH D030342.
Tyrosinemia type I (TYRSN1). Also called: Tyrosinemia type 1; Fumarylacetoacetase deficiency; Deficiency of fumarylacetoacetase; HEPATORENAL TYROSINEMIA; FAH DEFICIENCY. Identifiers: Orphanet 882, MedGen C0268490, MONDO:0010161, OMIM 276700. Disease mechanism: loss of function.

Allele frequency attached by ClinVar (database versions not stated): ExAC 0.00001; gnomAD exomes 0.00001.
gnomAD v4.1: 12 of 1,614,228 alleles (0.00074%); highest among the groups gnomAD compares: Non-Finnish European, 0.001%; no homozygotes.

Submissions (3):

Genomic Medicine Center of Excellence, King Faisal Specialist Hospital and Research Centre
Classification: Uncertain significance for Tyrosinemia type I. Last evaluated: 2025-09-10. Review status: criteria provided, single submitter. Criteria: ACMG Guidelines, 2015. Collection method: clinical testing. Allele origin: germline.

Ambry Genetics
Classification: Uncertain significance for Inborn genetic diseases. Last evaluated: 2024-12-06. Review status: criteria provided, single submitter. Criteria: Ambry Variant Classification Scheme 2023. Collection method: clinical testing. Allele origin: germline.

Labcorp Genetics (formerly Invitae), Labcorp
Classification: Uncertain significance for Tyrosinemia type I. Last evaluated: 2024-02-24. Review status: criteria provided, single submitter. Criteria: Invitae Variant Classification Sherloc (09022015). Collection method: clinical testing. Allele origin: germline.
Comment: This sequence change replaces asparagine, which is neutral and polar, with serine, which is neutral and polar, at codon 136 of the FAH protein (p.Asn136Ser). This variant is present in population databases (rs768365621, gnomAD 0.002%). This variant has not been reported in the literature in individuals affected with FAH-related conditions. ClinVar contains an entry for this variant (Variation ID: 662972). Advanced modeling of protein sequence and biophysical properties (such as structural, functional, and spatial information, amino acid conservation, physicochemical variation, residue mobility, and thermodynamic stability) performed at Invitae indicates that this missense variant is not expected to disrupt FAH protein function with a negative predictive value of 80%. In summary, the available evidence is currently insufficient to determine the role of this variant in disease. Therefore, it has been classified as a Variant of Uncertain Significance.

NM_000137.4(FAH):c.407A>G (p.Asn136Ser)

Gene: FAH (fumarylacetoacetate hydrolase; plus strand). Cytogenetic location: 15q25.1.
Variant type: single nucleotide variant.
Coding change: c.407A>G on transcript NM_000137.4 (MANE Select); coding-DNA position 407, A replaced by G.
Protein change: p.Asn136Ser; replaces asparagine 136 with serine.
Molecular consequence: missense variant.
Genome position (GRCh38, 1-based): chr15:80,162,288, A>G. VCF-style: chr15-80162288-A-G. GRCh37 (hg19) VCF-style: chr15-80454630-A-G.
Other names: c.407A>G, p.Asn136Ser (NM_001374377.1, NM_001374380.1); short protein forms N136S.
Identifiers: ClinVar variation 662972 (VCV000662972.10), dbSNP rs768365621, ClinGen allele CA7691146.